The following is an entry in ClinVar:

ClinVar aggregate classification (germline): Uncertain significance. Review status: criteria provided, multiple submitters, no conflicts (2 of 4 stars). 2 submissions from 2 submitters: Uncertain significance (2). Last evaluated 2024-01-17.

Allele frequency attached by ClinVar (database versions not stated): gnomAD 0.00001; TOPMed 0.00001.
gnomAD v4.1: 1 of 1,613,994 alleles (0.000062%); highest among the groups gnomAD compares: African/African-American, 0.0013%; no homozygotes.

Submissions (2):

Ambry Genetics
Classification: Uncertain significance. Last evaluated: 2024-01-17. Review status: criteria provided, single submitter. Criteria: Ambry Variant Classification Scheme 2023. Collection method: clinical testing. Allele origin: germline.

Labcorp Genetics (formerly Invitae), Labcorp
Classification: Uncertain significance. Last evaluated: 2023-11-20. Review status: criteria provided, single submitter. Criteria: Invitae Variant Classification Sherloc (09022015). Collection method: clinical testing. Allele origin: germline.
Comment: This sequence change replaces proline, which is neutral and non-polar, with serine, which is neutral and polar, at codon 487 of the IRF2BP2 protein (p.Pro487Ser). This variant is present in population databases (no rsID available, gnomAD 0.0009%). This variant has not been reported in the literature in individuals affected with IRF2BP2-related conditions. Algorithms developed to predict the effect of missense changes on protein structure and function output the following: SIFT: "Not Available"; PolyPhen-2: "Benign"; Align-GVGD: "Not Available". The serine amino acid residue is found in multiple mammalian species, which suggests that this missense change does not adversely affect protein function. In summary, the available evidence is currently insufficient to determine the role of this variant in disease. Therefore, it has been classified as a Variant of Uncertain Significance.

NM_182972.3(IRF2BP2):c.1459C>T (p.Pro487Ser)

Gene: IRF2BP2 (interferon regulatory factor 2 binding protein 2; minus strand). Cytogenetic location: 1q42.3.
Variant type: single nucleotide variant.
Coding change: c.1459C>T on transcript NM_182972.3 (MANE Select); coding-DNA position 1459, C replaced by T.
Protein change: p.Pro487Ser; replaces proline 487 with serine.
Molecular consequence: missense variant.
Genome position (GRCh38, 1-based): chr1:234,607,442, G>A on the plus strand (C>T on the coding strand, the complement: IRF2BP2 is on the minus strand). VCF-style: chr1-234607442-G-A. GRCh37 (hg19) VCF-style: chr1-234743188-G-A.
Other names: c.1459C>T (NM_182972.2); c.1411C>T, p.Pro471Ser (NM_001077397.1); short protein forms P471S, P487S.
Identifiers: ClinVar variation 3005526 (VCV003005526.4), dbSNP rs758362886, ClinGen allele CA345305599.